The following is an entry in ClinVar:

ClinVar aggregate classification (germline): Likely pathogenic (1 of 4 stars; one submission).

Conditions:
Intellectual developmental disorder, autosomal dominant 76. Identifiers: MedGen C6012756, MONDO:0979575, OMIM 621285.

Submission:

MVZ Medizinische Genetik Mainz
Classification: Likely pathogenic for Intellectual developmental disorder, autosomal dominant 76. Last evaluated: 2026-03-16. Review status: criteria provided, single submitter. Criteria: UK Practice Guidelines For Variant Classification V4 01 2020. Collection method: clinical testing. Allele origin: germline. Inheritance: Autosomal dominant inheritance. Affected: yes. Observed: 1 variant allele.
Comment: ACMG Criteria: PVS1,PM2_SUP

NM_001039469.3(MARK2):c.664dup (p.Gln222fs)

Gene: MARK2 (microtubule affinity regulating kinase 2; plus strand). Cytogenetic location: 11q13.1.
Variant type: Duplication.
Coding change: c.664dup on transcript NM_001039469.3 (MANE Select); coding-DNA position 664, one base duplicated (C; older notation c.664dupC).
Protein change: p.Gln222fs; shifts the reading frame from glutamine 222.
Molecular consequence: frameshift variant.
Genome position (GRCh38, 1-based): chr11:63,900,006, C duplicated; the last of 2 consecutive C bases (chr11:63,900,005-63,900,006); duplicating either gives the same sequence. VCF-style (leftmost placement, unchanged base first): chr11-63900004-T-TC. GRCh37 (hg19) VCF-style: chr11-63667476-T-TC.
Other names: c.664dup, p.Gln222fs (NM_001163296.2, NM_001163297.2, NM_004954.5); c.565dup, p.Gln189fs (NM_017490.4); short protein forms Q189fs, Q222fs.
Identifiers: ClinVar variation 5038127 (VCV005038127.1).